The following is an entry in ClinVar:

NM_000441.2(SLC26A4):c.147C>G (p.Ser49Arg)

Genes: SLC26A4 (solute carrier family 26 member 4; plus strand), SLC26A4-AS1 (SLC26A4 antisense RNA 1; minus strand). Cytogenetic location: 7q22.3.
Variant type: single nucleotide variant.
Coding change: c.147C>G on transcript NM_000441.2 (MANE Select); coding-DNA position 147, C replaced by G.
Protein change: p.Ser49Arg; replaces serine 49 with arginine.
Molecular consequence: missense variant. On other transcripts: non-coding transcript variant (1).
Genome position (GRCh38, 1-based): chr7:107,661,788, C>G. VCF-style: chr7-107661788-C-G. GRCh37 (hg19) VCF-style: chr7-107302233-C-G.
Other names: short protein forms S49R.
Identifiers: ClinVar variation 227949 (VCV000227949.37), dbSNP rs756969021, ClinGen allele CA4432373.

ClinVar aggregate classification (germline): Likely benign. Review status: reviewed by expert panel (3 of 4 stars). 12 submissions from 11 submitters: Likely benign (1). 11 of the submissions do not count toward it. Last evaluated 2025-07-16.

Conditions:
Autosomal recessive nonsyndromic hearing loss 4 (DFNB4). Also called: Nonsyndromic enlarged vestibular aqueduct (NSEVA); Deafness, autosomal recessive 4, with enlarged vestibular aqueduct; Deafness, autosomal recessive 4; Enlarged vestibular aqueduct, digenic; FOXI1-Related Pendred Syndrome; KCNJ10-Related Pendred Syndrome. Identifiers: Orphanet 90636, MedGen C3538946, MONDO:0010933, OMIM 600791.
Pendred syndrome (PDS). Also called: Pendred Syndrome (PDS); GOITER-DEAFNESS SYNDROME; Pendred's syndrome; DEAFNESS WITH GOITER; HYPOTHYROIDISM, CONGENITAL, DUE TO DYSHORMONOGENESIS, 2B; THYROID DYSHORMONOGENESIS 2B. Identifiers: Orphanet 705, MedGen C0271829, MONDO:0010134, OMIM 274600.

Allele frequency attached by ClinVar (database versions not stated): ExAC below 0.00001; gnomAD 0.00004 and 0.00005; gnomAD exomes 0.00009 and 0.00029; TOPMed 0.00012.
gnomAD v4.1: 125 of 1,538,842 alleles (0.0081%); highest among the groups gnomAD compares: East Asian, 0.3%; 1 homozygote.

Submissions (12):

ClinGen Hearing Loss Variant Curation Expert Panel
Classification: Likely benign for Pendred syndrome. Last evaluated: 2025-07-16. Review status: reviewed by expert panel. Criteria: Clingen Hl Acmg Specifications Cdh23 Coch Gjb2 Kcnq4 Myo6 Myo7a Slc26a4 Tecta Ush2a V2. Collection method: curation. Allele origin: germline. Inheritance: Autosomal recessive inheritance.
Comment: The NM_000441.2(SLC26A4):c.147C>G (p.Ser49Arg) variant has been identified in a heterozygous state in two Chinese individuals with congenital non-syndromic hearing loss (PMID: 25149764). No information about segregation of the variant or whether it was in trans with another SLC26A4 variant was given. The filtering allele frequency of the c.147C>G variant in the SLC26A4 gene is 0.27% for East Asian chromosomes by gnomADv4 with 95% CI, which is a higher frequency than would be expected for an autosomal recessive pathogenic variant based on the thresholds defined by the ClinGen Hearing Loss Expert Panel (BS1_Supporting). Additionally, computational prediction analysis using the metapredictor tool REVEL suggests that the variant may not impact the protein and splice prediction analysis using MaxEntScan does not suggest an impact to splicing (BP4). Fluorescence HCO3−/Cl− and I−/Cl− antiport functional assay show no difference compared to wild type protein (PMID : 31599023 ; BS3_P). In summary, this variant meets criteria to be classified as likely benign. ACMG/AMP criteria applied, as specified by the Hearing Loss Expert Panel : BS1_Supporting, BS3_Supporting, BP4 (ClinGen Hearing Loss VCEP specifications version 2; 7/16/2025).

Labcorp Genetics (formerly Invitae), Labcorp
Classification: Likely benign. Last evaluated: 2026-01-16. Review status: criteria provided, single submitter. Criteria: Invitae Variant Classification Sherloc (09022015). Collection method: clinical testing. Allele origin: germline. Not counted in ClinVar's aggregate classification.

Blueprint Genetics
Classification: Likely benign. Last evaluated: 2024-06-28. Review status: criteria provided, single submitter. Criteria: ACMG Guidelines, 2015. Collection method: clinical testing. Allele origin: germline. Not counted in ClinVar's aggregate classification.

Women's Health and Genetics/Laboratory Corporation of America, LabCorp
Classification: Likely benign. Last evaluated: 2022-07-12. Review status: criteria provided, single submitter. Criteria: LabCorp Variant Classification Summary - May 2015. Collection method: clinical testing. Allele origin: germline. Not counted in ClinVar's aggregate classification.
Comment: Variant summary: SLC26A4 c.147C>G (p.Ser49Arg) results in a non-conservative amino acid change in the encoded protein sequence. Four of five in-silico tools predict a benign effect of the variant on protein function. The variant allele was found at a frequency of 0.00029 in 141150 control chromosomes, predominantly at a frequency of 0.0038 within the East Asian subpopulation in the gnomAD database. The observed variant frequency within East Asian control individuals in the gnomAD database is approximately equal to the estimated maximal expected allele frequency for a pathogenic variant in SLC26A4 causing Pendred Syndrome phenotype (0.0038 vs 0.0035), suggesting that the variant is a benign polymorphism found primarily in populations of East Asian origin. c.147C>G has been reported in the literature in heterozygous individuals affected with non-syndromic hearing loss, congenital hypothyroidism, and Pendred Syndrome (e.g. Du_2014, Zhao_2014, Ideura_2019, Zhang_2022), however without strong evidence for causality. These reports do not provide unequivocal conclusions about association of the variant with Pendred Syndrome. Functional studies have found the variant has little to no effect on protein expression, membrane localization, and ion transport activity when compared with the wild-type protein (e.g. Wasano_2020, Zhang_2022). Five ClinVar submitters including an expert panel (ClinGen Hearing Loss Variant Curation Expert Panel) (evaluation after 2014) cite the variant as benign/likely benign and three ClinVar submitters (evaluation after 2014) cite it as uncertain significance. Based on the evidence outlined above, the variant was classified as likely benign.

Myriad Genetics, Inc.
Classification: Uncertain significance for Pendred syndrome. Last evaluated: 2021-10-27. Review status: criteria provided, single submitter. Criteria: Myriad Women's Health Autosomal Recessive and X-Linked Classification Criteria (2021). Collection method: clinical testing. Allele origin: unknown. Not counted in ClinVar's aggregate classification.
Comment: NM_000441.1(SLC26A4):c.147C>G(S49R) is a missense variant classified as a variant of uncertain significance in the context of Pendred syndrome. S49R has been observed in cases with relevant disease (PMID: 25372295, 25587757, 28786104, 25830873, 31427586). Functional assessments of this variant are available in the literature (PMID: 31599023). S49R has been observed in population frequency databases (gnomAD: EAS 0.37%). In summary, there is insufficient evidence to classify NM_000441.1(SLC26A4):c.147C>G(S49R) as pathogenic or benign. Please note: this variant was assessed in the context of healthy population screening.

Illumina Laboratory Services, Illumina
Classification: Uncertain significance for Pendred syndrome. Last evaluated: 2017-04-27. Review status: criteria provided, single submitter. Criteria: ICSL Variant Classification Criteria 13 December 2019. Collection method: clinical testing. Allele origin: germline. Not counted in ClinVar's aggregate classification.
Comment: This variant was observed as part of a predisposition screen in an ostensibly healthy population. A literature search was performed for the gene, cDNA change, and amino acid change (where applicable). Publications were found based on this search. However, the evidence from the literature, in combination with allele frequency data from public databases where available, was not sufficient to rule this variant in or out of causing disease. Therefore, this variant is classified as a variant of unknown significance.

Illumina Laboratory Services, Illumina
Classification: Uncertain significance for Autosomal recessive nonsyndromic hearing loss 4. Last evaluated: 2017-04-27. Review status: criteria provided, single submitter. Criteria: ICSL Variant Classification Criteria 13 December 2019. Collection method: clinical testing. Allele origin: germline. Not counted in ClinVar's aggregate classification.
Comment: the same text as in the submission from Illumina Laboratory Services, Illumina above.

Eurofins Ntd Llc (ga)
Classification: Uncertain significance. Last evaluated: 2016-08-03. Review status: criteria provided, single submitter. Criteria: EGL Classification Definitions 2015. Collection method: clinical testing. Allele origin: germline. Observed: 1 variant allele, 1 heterozygote. Not counted in ClinVar's aggregate classification.

Laboratory for Molecular Medicine, Mass General Brigham Personalized Medicine
Classification: Likely benign. Last evaluated: 2015-11-05. Review status: criteria provided, single submitter. Criteria: LMM Criteria. Collection method: clinical testing. Allele origin: germline. Observed: 1 variant allele. Not counted in ClinVar's aggregate classification.
Comment: p.Ser49Arg in exon 2 of SLC26A4: This variant is not expected to have clinical s ignificance due to a lack of conservation across species, including mammals. Of note, >10 mammals have an Arginine (Arg) at this position.

Natera, Inc.
Classification: Likely benign for Pendred syndrome. Last evaluated: 2020-09-16. Review status: no assertion criteria provided. Collection method: clinical testing. Allele origin: germline. Not counted in ClinVar's aggregate classification.

The Core Laboratory in Medical Center of Clinical Research, Shanghai Ninth People's Hospital, Shanghai Jiaotong University School of Medicine
Classification: Benign for Pendred syndrome. Last evaluated: 2020-05-12. Review status: no assertion criteria provided. Collection method: clinical testing. Allele origin: inherited. Affected: yes. Observed: 1 variant allele. Not counted in ClinVar's aggregate classification.

National Institute of Sensory Organs, National Hospital Organization Tokyo Medical Center
Classification: other for Autosomal recessive nonsyndromic hearing loss 4. Last evaluated: 2019-08-20. Review status: no assertion criteria provided. Collection method: clinical testing, in vitro. Allele origin: germline. Inheritance: Autosomal recessive inheritance. Affected: yes. Functional consequence: functionally_normal. Not counted in ClinVar's aggregate classification.
Comment: Benign effect in vitro experiment

Literature cited by the submitters: PubMed 31599023 (cited by 4 submitters); PubMed 25149764 (cited by 3 submitters); PubMed 25372295 (cited by 3 submitters); PubMed 34545167 (cited by Women's Health and Genetics/Laboratory Corporation of America, LabCorp); PubMed 31427586 (cited by Women's Health and Genetics/Laboratory Corporation of America, LabCorp and Myriad Genetics, Inc.); PubMed 28786104 (cited by Myriad Genetics, Inc.); PubMed 25830873 (cited by Myriad Genetics, Inc.); PubMed 25587757 (cited by Myriad Genetics, Inc.); PubMed 23151025 (cited by Illumina Laboratory Services, Illumina); PubMed 17443271 (cited by Illumina Laboratory Services, Illumina).